The following is an entry in ClinVar:

NM_000334.4(SCN4A):c.4868_4869inv (p.Thr1623Met)

Genes: SCN4A (sodium voltage-gated channel alpha subunit 4; minus strand), GH-LCR (growth hormone locus control region; plus strand). Cytogenetic location: 17q23.3.
Variant type: Inversion.
Coding change: c.4868_4869inv on transcript NM_000334.4 (MANE Select).
Protein change: p.Thr1623Met; replaces threonine 1623 with methionine.
Molecular consequence: missense variant.
Genome position: GRCh38 VCF-style: chr17-63941413-TG-CA. GRCh37 (hg19) VCF-style: chr17-62018773-TG-CA.
Other names: short protein forms T1623M.
Identifiers: ClinVar variation 3678869 (VCV003678869.2).

ClinVar aggregate classification (germline): Uncertain significance (1 of 4 stars; one submission).

Conditions:
Hyperkalemic periodic paralysis. Also called: Familial hyperkalemic periodic paralysis; Gamstorp disease. Identifiers: Orphanet 682, MedGen C0238357, MONDO:0008224, OMIM 170500, HP:0007215.

Submission:

Labcorp Genetics (formerly Invitae), Labcorp
Classification: Uncertain significance for Hyperkalemic periodic paralysis. Last evaluated: 2025-10-02. Review status: criteria provided, single submitter. Criteria: Invitae Variant Classification Sherloc (09022015). Collection method: clinical testing. Allele origin: germline.
Comment: This sequence change replaces threonine, which is neutral and polar, with methionine, which is neutral and non-polar, at codon 1623 of the SCN4A protein (p.Thr1623Met). The frequency data for this variant in the population databases is considered unreliable, as metrics indicate poor data quality at this position in the gnomAD database. This variant has not been reported in the literature in individuals affected with SCN4A-related conditions. ClinVar contains an entry for this variant (Variation ID: 3678869). An algorithm developed to predict the effect of missense changes on protein structure and function (PolyPhen-2) suggests that this variant is likely to be disruptive. In summary, the available evidence is currently insufficient to determine the role of this variant in disease. Therefore, it has been classified as a Variant of Uncertain Significance.